The following is an entry in ClinVar:

NM_002334.4(LRP4):c.3608C>T (p.Ala1203Val)

Gene: LRP4 (LDL receptor related protein 4; minus strand). Cytogenetic location: 11p11.2.
Variant type: single nucleotide variant.
Coding change: c.3608C>T on transcript NM_002334.4 (MANE Select); coding-DNA position 3608, C replaced by T.
Protein change: p.Ala1203Val; replaces alanine 1203 with valine.
Molecular consequence: missense variant.
Genome position (GRCh38, 1-based): chr11:46,875,895, G>A on the plus strand (C>T on the coding strand, the complement: LRP4 is on the minus strand). VCF-style: chr11-46875895-G-A. GRCh37 (hg19) VCF-style: chr11-46897446-G-A.
Other names: short protein forms A1203V.
Identifiers: ClinVar variation 304869 (VCV000304869.19), dbSNP rs2306033, ClinGen allele CA5969532.
Genomic context (GRCh38, chr11:46,875,895, plus strand): 5'-GAGCTGGCCTTGTCCACAGTCAGTCCATTGGGCCATCCTAGGTTGTTGTTGATGAGCACC[G>A]CGCGGTCTGAGCCATCCATTCCGGACCGCTCTAACTTGGCATTCTCCCCCCAGTCTGTCC-3'
Protein context (NP_002325.2, residues 1193-1213): ERSGMDGSDR[Ala1203Val]VLINNNLGWP

ClinVar aggregate classification (germline): Benign. Review status: criteria provided, multiple submitters, no conflicts (2 of 4 stars). 5 submissions from 5 submitters: Benign (5). Last evaluated 2026-02-03.

Conditions:
Cenani-Lenz syndactyly syndrome. Also called: CENANI SYNDACTYLISM; SYNDACTYLY, TYPE VII. Identifiers: Orphanet 3258, MedGen C1859309, MONDO:0008931, OMIM 212780.
Congenital myasthenic syndrome 17. Identifiers: Orphanet 590, MedGen C4225377, MONDO:0014578, OMIM 616304.
Sclerosteosis 2 (SOST2). Identifiers: Orphanet 3152, MedGen C3280402, MONDO:0013679, OMIM 614305.

Allele frequency attached by ClinVar (database versions not stated): ESP Exome Variant Server 0.09223; gnomAD 0.12951 and 0.13922; TOPMed 0.13722; gnomAD exomes 0.15722 and 0.20892; ExAC 0.19446; 1000 Genomes Project 30x 0.20784; 1000 Genomes Project 0.21925.
gnomAD v4.1: 250,406 of 1,613,704 alleles (16%); highest among the groups gnomAD compares: East Asian, 62%; 27,679 homozygotes.

Submissions (5):

Labcorp Genetics (formerly Invitae), Labcorp
Classification: Benign for Cenani-Lenz syndactyly syndrome; Sclerosteosis 2; Congenital myasthenic syndrome 17. Last evaluated: 2026-02-03. Review status: criteria provided, single submitter. Criteria: Invitae Variant Classification Sherloc (09022015). Collection method: clinical testing. Allele origin: germline.

GeneDx
Classification: Benign. Last evaluated: 2018-07-18. Review status: criteria provided, single submitter. Criteria: GeneDx Variant Classification Process June 2021. Collection method: clinical testing. Allele origin: germline. Affected: yes.

Mayo Clinic Laboratories, Mayo Clinic
Classification: Benign. Last evaluated: 2017-07-21. Review status: criteria provided, single submitter. Criteria: ACMG Guidelines, 2015. Collection method: clinical testing. Allele origin: germline. Observed: 119 variant alleles.

Illumina Laboratory Services, Illumina
Classification: Benign for Cenani-Lenz syndactyly syndrome. Last evaluated: 2017-04-27. Review status: criteria provided, single submitter. Criteria: ICSL Variant Classification Criteria 13 December 2019. Collection method: clinical testing. Allele origin: germline.
Comment: This variant was observed as part of a predisposition screen in an ostensibly healthy population. A literature search was performed for the gene, cDNA change, and amino acid change (where applicable). No publications were found based on this search. Allele frequency data from public databases was too high to be consistent with this variant causing disease. Therefore, this variant is classified as benign.

Breakthrough Genomics
Classification: Benign. Review status: criteria provided, single submitter. Criteria: ACMG Guidelines, 2015. Collection method: not provided. Allele origin: germline. Inheritance: Autosomal recessive inheritance. Affected: yes.